The following is an entry in ClinVar:

NM_005450.6(NOG):c.541A>G (p.Lys181Glu)

Gene: NOG (noggin; plus strand). Cytogenetic location: 17q22.
Variant type: single nucleotide variant.
Coding change: c.541A>G on transcript NM_005450.6 (MANE Select); coding-DNA position 541, A replaced by G.
Protein change: p.Lys181Glu; replaces lysine 181 with glutamic acid.
Molecular consequence: missense variant.
Genome position (GRCh38, 1-based): chr17:56,594,764, A>G. VCF-style: chr17-56594764-A-G. GRCh37 (hg19) VCF-style: chr17-54672125-A-G.
Other names: c.541A>G (NM_005450.4); short protein forms K181E.
Identifiers: ClinVar variation 2094814 (VCV002094814.5), dbSNP rs2052471528, ClinGen allele CA399966558.

ClinVar aggregate classification (germline): Uncertain significance. Review status: criteria provided, multiple submitters, no conflicts (2 of 4 stars). 2 submissions from 2 submitters: Uncertain significance (2). Last evaluated 2025-09-26.

Conditions:
Inborn genetic diseases. Identifiers: MedGen C0950123, MeSH D030342.

Allele frequency attached by ClinVar (database versions not stated): gnomAD exomes below 0.00001; TOPMed below 0.00001.
gnomAD v4.1: 1 of 1,613,726 alleles (0.000062%); highest among the groups gnomAD compares: Admixed American, 0.0017%; no homozygotes.

Submissions (2):

Ambry Genetics
Classification: Uncertain significance for Inborn genetic diseases. Last evaluated: 2025-09-26. Review status: criteria provided, single submitter. Criteria: Ambry Variant Classification Scheme 2023. Collection method: clinical testing. Allele origin: germline.

Labcorp Genetics (formerly Invitae), Labcorp
Classification: Uncertain significance. Last evaluated: 2022-09-10. Review status: criteria provided, single submitter. Criteria: Invitae Variant Classification Sherloc (09022015). Collection method: clinical testing. Allele origin: germline.
Comment: Algorithms developed to predict the effect of missense changes on protein structure and function (SIFT, PolyPhen-2, Align-GVGD) all suggest that this variant is likely to be disruptive. This variant has not been reported in the literature in individuals affected with NOG-related conditions. This variant is not present in population databases (gnomAD no frequency). This sequence change replaces lysine, which is basic and polar, with glutamic acid, which is acidic and polar, at codon 181 of the NOG protein (p.Lys181Glu). In summary, the available evidence is currently insufficient to determine the role of this variant in disease. Therefore, it has been classified as a Variant of Uncertain Significance.